The following is an entry in ClinVar:

ClinVar aggregate classification (germline): Uncertain significance. Review status: criteria provided, multiple submitters, no conflicts (2 of 4 stars). 2 submissions from 2 submitters: Uncertain significance (2). Last evaluated 2024-04-08.

Conditions:
Hereditary cancer-predisposing syndrome. Also called: Hereditary neoplastic syndrome; Tumor predisposition; Hereditary Cancer Syndrome; Neoplastic Syndromes, Hereditary. Identifiers: Orphanet 140162, MedGen C0027672, MeSH D009386, MONDO:0015356.

Submissions (2):

Labcorp Genetics (formerly Invitae), Labcorp
Classification: Uncertain significance. Last evaluated: 2024-04-08. Review status: criteria provided, single submitter. Criteria: Invitae Variant Classification Sherloc (09022015). Collection method: clinical testing. Allele origin: germline.
Comment: This sequence change replaces lysine, which is basic and polar, with isoleucine, which is neutral and non-polar, at codon 60 of the NTHL1 protein (p.Lys60Ile). This variant is not present in population databases (gnomAD no frequency). This variant has not been reported in the literature in individuals affected with NTHL1-related conditions. ClinVar contains an entry for this variant (Variation ID: 2586093). An algorithm developed to predict the effect of missense changes on protein structure and function (PolyPhen-2) suggests that this variant is likely to be tolerated. In summary, the available evidence is currently insufficient to determine the role of this variant in disease. Therefore, it has been classified as a Variant of Uncertain Significance.

Ambry Genetics
Classification: Uncertain significance for Hereditary cancer-predisposing syndrome. Last evaluated: 2023-06-24. Review status: criteria provided, single submitter. Criteria: Ambry Variant Classification Scheme 2023. Collection method: clinical testing. Allele origin: germline.
Comment: The p.K60I variant (also known as c.179A>T), located in coding exon 2 of the NTHL1 gene, results from an A to T substitution at nucleotide position 179. The lysine at codon 60 is replaced by isoleucine, an amino acid with dissimilar properties. This amino acid position is conserved. In addition, this alteration is predicted to be tolerated by in silico analysis. Since supporting evidence is limited at this time, the clinical significance of this alteration remains unclear.

NM_002528.7(NTHL1):c.155A>T (p.Lys52Ile)

Gene: NTHL1 (nth like DNA glycosylase 1; minus strand). Cytogenetic location: 16p13.3.
Variant type: single nucleotide variant.
Coding change: c.155A>T on transcript NM_002528.7 (MANE Select); coding-DNA position 155, A replaced by T.
Protein change: p.Lys52Ile; replaces lysine 52 with isoleucine.
Molecular consequence: missense variant. On other transcripts: 5 prime UTR variant (1).
Genome position (GRCh38, 1-based): chr16:2,046,327, T>A on the plus strand (A>T on the coding strand, the complement: NTHL1 is on the minus strand). VCF-style: chr16-2046327-T-A. GRCh37 (hg19) VCF-style: chr16-2096328-T-A.
Other names: c.155A>T, p.Lys52Ile (NM_001318193.2); c.-24A>T (NM_001318194.2); short protein forms K52I.
Identifiers: ClinVar variation 2586093 (VCV002586093.5), dbSNP rs2084384334, ClinGen allele CA394297949.